The following is an entry in ClinVar:

ClinVar aggregate classification (germline): Uncertain significance. Review status: criteria provided, multiple submitters, no conflicts (2 of 4 stars). 2 submissions from 2 submitters: Uncertain significance (2). Last evaluated 2025-11-25.

Conditions:
Inborn genetic diseases. Identifiers: MedGen C0950123, MeSH D030342.

gnomAD v4.1: 14 of 1,614,124 alleles (0.00087%); highest among the groups gnomAD compares: Admixed American, 0.01%; no homozygotes.

Submissions (2):

Dasa
Classification: Uncertain significance. Last evaluated: 2025-11-25. Review status: criteria provided, single submitter. Criteria: DASA Assertion Criteria. Collection method: clinical testing. Allele origin: germline.
Comment: NM_000163.5(GHR):c.1109A>G (p.His370Arg) is a missense variant that results in the substitution of histidine with arginine. This variant is rare in population databases. Computational prediction algorithms are consistent with a benign effect. The currently available literature and clinical evidence are not sufficient to establish a definitive association between this variant and the reported condition. Therefore, this variant is classified as a variant of uncertain significance.

Ambry Genetics
Classification: Uncertain significance for Inborn genetic diseases. Last evaluated: 2025-11-05. Review status: criteria provided, single submitter. Criteria: Ambry Variant Classification Scheme 2023. Collection method: clinical testing. Allele origin: germline.

NM_000163.5(GHR):c.1109A>G (p.His370Arg)

Gene: GHR (growth hormone receptor; plus strand). Cytogenetic location: 5p12.
Variant type: single nucleotide variant.
Coding change: c.1109A>G on transcript NM_000163.5 (MANE Select); coding-DNA position 1109, A replaced by G.
Protein change: p.His370Arg; replaces histidine 370 with arginine.
Molecular consequence: missense variant. On other transcripts: 3 prime UTR variant (1).
Genome position (GRCh38, 1-based): chr5:42,718,616, A>G. VCF-style: chr5-42718616-A-G. GRCh37 (hg19) VCF-style: chr5-42718718-A-G.
Other names: c.1109A>G, p.His370Arg (NM_001242405.2, NM_001242406.2, NM_001242400.2 and 4 more transcripts); c.1043A>G, p.His348Arg (NM_001242460.2); c.*151A>G (NM_001242462.1); c.1130A>G, p.His377Arg (NM_001242399.2); short protein forms H348R, H370R, H377R.
Identifiers: ClinVar variation 4620780 (VCV004620780.3).